The following is an entry in ClinVar:

ClinVar aggregate classification (germline): Uncertain significance. Review status: criteria provided, multiple submitters, no conflicts (2 of 4 stars). 3 submissions from 3 submitters: Uncertain significance (3). Last evaluated 2025-07-01.

Conditions:
Glycogen storage disease, type V (GSD5). Also called: McArdle type glycogen storage disease; MYOPHOSPHORYLASE DEFICIENCY; PYGM DEFICIENCY; MCARDLE DISEASE; MUSCLE GLYCOGEN PHOSPHORYLASE DEFICIENCY. Identifiers: Orphanet 368, MedGen C0017924, MONDO:0009293, OMIM 232600.

Allele frequency attached by ClinVar (database versions not stated): gnomAD exomes below 0.00001; TOPMed below 0.00001.

Submissions (3):

GeneDx
Classification: Uncertain significance. Last evaluated: 2025-07-01. Review status: criteria provided, single submitter. Criteria: GeneDx Variant Classification Process June 2021. Collection method: clinical testing. Allele origin: germline. Affected: yes.
Comment: Not observed at significant frequency in large population cohorts (gnomAD); In silico analysis supports that this missense variant has a deleterious effect on protein structure/function; Has not been previously published as pathogenic or benign to our knowledge

Revvity Omics, Revvity
Classification: Uncertain significance for Glycogen storage disease, type V. Last evaluated: 2025-02-12. Review status: criteria provided, single submitter. Criteria: ACMG Guidelines, 2015. Collection method: clinical testing. Allele origin: germline.

Labcorp Genetics (formerly Invitae), Labcorp
Classification: Uncertain significance for Glycogen storage disease, type V. Last evaluated: 2022-08-22. Review status: criteria provided, single submitter. Criteria: Invitae Variant Classification Sherloc (09022015). Collection method: clinical testing. Allele origin: germline.
Comment: This sequence change replaces glycine, which is neutral and non-polar, with aspartic acid, which is acidic and polar, at codon 157 of the PYGM protein (p.Gly157Asp). This variant is not present in population databases (gnomAD no frequency). This variant has not been reported in the literature in individuals affected with PYGM-related conditions. ClinVar contains an entry for this variant (Variation ID: 1007473). Algorithms developed to predict the effect of missense changes on protein structure and function are either unavailable or do not agree on the potential impact of this missense change (SIFT: "Not Available"; PolyPhen-2: "Probably Damaging"; Align-GVGD: "Not Available"). In summary, the available evidence is currently insufficient to determine the role of this variant in disease. Therefore, it has been classified as a Variant of Uncertain Significance.

NM_005609.4(PYGM):c.470G>A (p.Gly157Asp)

Gene: PYGM (glycogen phosphorylase, muscle associated; minus strand). Cytogenetic location: 11q13.1.
Variant type: single nucleotide variant.
Coding change: c.470G>A on transcript NM_005609.4 (MANE Select); coding-DNA position 470, G replaced by A.
Protein change: p.Gly157Asp; replaces glycine 157 with aspartic acid.
Molecular consequence: missense variant. On other transcripts: intron variant (1).
Genome position (GRCh38, 1-based): chr11:64,758,304, C>T on the plus strand (G>A on the coding strand, the complement: PYGM is on the minus strand). VCF-style: chr11-64758304-C-T. GRCh37 (hg19) VCF-style: chr11-64525776-C-T.
Other names: c.244-38G>A (NM_001164716.1); c.470G>A (NM_005609.2); short protein forms G157D.
Identifiers: ClinVar variation 1007473 (VCV001007473.7), dbSNP rs2058407754, ClinGen allele CA381109173.